The following is an entry in ClinVar:

NM_198282.4(STING1):c.850A>G (p.Arg284Gly)

Gene: STING1 (stimulator of interferon response cGAMP interactor 1; minus strand). Cytogenetic location: 5q31.2.
Variant type: single nucleotide variant.
Coding change: c.850A>G on transcript NM_198282.4 (MANE Select); coding-DNA position 850, A replaced by G.
Protein change: p.Arg284Gly; replaces arginine 284 with glycine.
Molecular consequence: missense variant. On other transcripts: intron variant (1).
Genome position (GRCh38, 1-based): chr5:139,477,425, T>C on the plus strand (A>G on the coding strand, the complement: STING1 is on the minus strand). VCF-style: chr5-139477425-T-C. GRCh37 (hg19) VCF-style: chr5-138857010-T-C.
Other names: c.493A>G, p.Arg165Gly (NM_001367258.1); c.759+845A>G (NM_001301738.2); short protein forms R165G, R284G.
Identifiers: ClinVar variation 4886590 (VCV004886590.2).

ClinVar aggregate classification (germline): Likely pathogenic (1 of 4 stars; one submission).

Submission:

Dasa
Classification: Likely pathogenic. Last evaluated: 2025-10-18. Review status: criteria provided, single submitter. Criteria: DASA Assertion Criteria. Collection method: clinical testing. Allele origin: germline.
Comment: NM_198282.4(TMEM173):c.850A>G (p.Arg284Gly) is a missense variant that results in the substitution of arginine with glycine. The affected residue or protein region has prior evidence supporting clinical relevance. This variant has been reported in individuals with TMEM173-related disorders (PMID: 28087229). Functional evidence supports an impact on the gene or gene product (PMID: 28087229; PMID: 25790474). Also, this variant is absent from population databases. Based on the currently available evidence, this variant is classified as likely pathogenic.

Literature cited by the submitters: PubMed 28087229; PubMed 25790474.